The following is an entry in ClinVar:

NM_153252.5(BRWD3):c.*5142A>G

Gene: BRWD3 (bromodomain and WD repeat domain containing 3; minus strand). Cytogenetic location: Xq21.1.
Variant type: single nucleotide variant.
Coding change: c.*5142A>G on transcript NM_153252.5 (MANE Select); 5142 bases downstream of the stop codon, A replaced by G.
Molecular consequence: 3 prime UTR variant.
Genome position (GRCh38, 1-based): chrX:80,671,467, T>C on the plus strand (A>G on the coding strand, the complement: BRWD3 is on the minus strand). VCF-style: chrX-80671467-T-C. GRCh37 (hg19) VCF-style: chrX-79926966-T-C.
Identifiers: ClinVar variation 912701 (VCV000912701.28), dbSNP rs41300244, ClinGen allele CA331835411.

ClinVar aggregate classification (germline): Conflicting classifications of pathogenicity. Review status: criteria provided, conflicting classifications (1 of 4 stars). 2 submissions from 2 submitters: Uncertain significance (1); Likely benign (1). Last evaluated 2022-11-01.

Conditions:
Intellectual developmental disorder, X-linked 93. Also called: Intellectual disability, X-linked 93; MENTAL RETARDATION, X-LINKED, WITH MACROCEPHALY. Identifiers: MedGen C1970841, MONDO:0010393, OMIM 300659.

Allele frequency attached by ClinVar (database versions not stated): gnomAD 0.00029 and 0.00032; TOPMed 0.00019; 1000 Genomes Project 30x 0.00021.

Submissions (2):

CeGaT Center for Human Genetics Tuebingen
Classification: Likely benign. Last evaluated: 2022-11-01. Review status: criteria provided, single submitter. Criteria: CeGaT Center For Human Genetics Tuebingen Variant Classification Criteria Version 2. Collection method: clinical testing. Allele origin: germline. Affected: yes. Observed: 1 variant allele.
Comment: BRWD3: BS2

Illumina Laboratory Services, Illumina
Classification: Uncertain significance for Intellectual developmental disorder, X-linked 93. Last evaluated: 2018-01-13. Review status: criteria provided, single submitter. Criteria: ICSL Variant Classification Criteria 13 December 2019. Collection method: clinical testing. Allele origin: germline.